The following is an entry in ClinVar:

NM_001430.5(EPAS1):c.769T>G (p.Cys257Gly)

Genes: EPAS1 (endothelial PAS domain protein 1; plus strand), LOC126806210 (BRD4-independent group 4 enhancer GRCh37_chr2:46587586-46588785; plus strand). Cytogenetic location: 2p21.
Variant type: single nucleotide variant.
Coding change: c.769T>G on transcript NM_001430.5 (MANE Select); coding-DNA position 769, T replaced by G.
Protein change: p.Cys257Gly; replaces cysteine 257 with glycine.
Molecular consequence: missense variant.
Genome position (GRCh38, 1-based): chr2:46,361,080, T>G. VCF-style: chr2-46361080-T-G. GRCh37 (hg19) VCF-style: chr2-46588219-T-G.
Other names: short protein forms C257G.
Identifiers: ClinVar variation 1760190 (VCV001760190.2), dbSNP rs2546455658, ClinGen allele CA346700427.

ClinVar aggregate classification (germline): Uncertain significance (1 of 4 stars; one submission).

Conditions:
Inborn genetic diseases. Identifiers: MedGen C0950123, MeSH D030342.

Submission:

Ambry Genetics
Classification: Uncertain significance for Inborn genetic diseases. Last evaluated: 2021-08-31. Review status: criteria provided, single submitter. Criteria: Ambry Variant Classification Scheme 2023. Collection method: clinical testing. Allele origin: germline.
Comment: The p.C257G variant (also known as c.769T>G), located in coding exon 6 of the EPAS1 gene, results from a T to G substitution at nucleotide position 769. The cysteine at codon 257 is replaced by glycine, an amino acid with highly dissimilar properties. This amino acid position is conserved. In addition, this alteration is predicted to be deleterious by in silico analysis. Since supporting evidence is limited at this time, the clinical significance of this alteration remains unclear.